The following is an entry in ClinVar:

NM_000377.3(WAS):c.156G>C (p.Gln52His)

Gene: WAS (WASP actin nucleation promoting factor; plus strand). Cytogenetic location: Xp11.23.
Variant type: single nucleotide variant.
Coding change: c.156G>C on transcript NM_000377.3 (MANE Select); coding-DNA position 156, G replaced by C.
Protein change: p.Gln52His; replaces glutamine 52 with histidine.
Molecular consequence: missense variant.
Genome position (GRCh38, 1-based): chrX:48,684,306, G>C. VCF-style: chrX-48684306-G-C. GRCh37 (hg19) VCF-style: chrX-48542695-G-C.
Other names: short protein forms Q52H.
Identifiers: ClinVar variation 2925665 (VCV002925665.3), dbSNP rs2519278363, ClinGen allele CA412866170.

ClinVar aggregate classification (germline): Uncertain significance (1 of 4 stars; one submission).

Conditions:
Thrombocytopenia 1. Also called: X-Linked Thrombocytopenia (XLT); THROMBOCYTOPENIA, X-LINKED, 1; X-linked thrombocytopenia with normal platelets. Identifiers: Orphanet 268322, Orphanet 852, MedGen C1839163, MONDO:0010743, OMIM 313900.
X-linked severe congenital neutropenia (SCNX). Identifiers: Orphanet 86788, MedGen C1845987, MONDO:0010294, OMIM 300299.
Wiskott-Aldrich syndrome (WAS). Also called: WISKOTT-ALDRICH SYNDROME 1; ALDRICH SYNDROME; IMMUNODEFICIENCY 2; Wiskott-aldrich syndrome, somatic. Identifiers: Orphanet 906, MedGen C0043194, MONDO:0010518, OMIM 301000.

Submission:

Labcorp Genetics (formerly Invitae), Labcorp
Classification: Uncertain significance for Wiskott-Aldrich syndrome; X-linked severe congenital neutropenia; Thrombocytopenia 1. Last evaluated: 2023-09-13. Review status: criteria provided, single submitter. Criteria: Invitae Variant Classification Sherloc (09022015). Collection method: clinical testing. Allele origin: germline.
Comment: In summary, the available evidence is currently insufficient to determine the role of this variant in disease. Therefore, it has been classified as a Variant of Uncertain Significance. Experimental studies have shown that this missense change affects WAS function (PMID: 19817875). Advanced modeling of protein sequence and biophysical properties (such as structural, functional, and spatial information, amino acid conservation, physicochemical variation, residue mobility, and thermodynamic stability) has been performed at Invitae for this missense variant, however the output from this modeling did not meet the statistical confidence thresholds required to predict the impact of this variant on WAS protein function. This missense change has been observed in individuals with clinical features of WAS-related conditions (PMID: 11793485; Invitae). This variant is not present in population databases (gnomAD no frequency). This sequence change replaces glutamine, which is neutral and polar, with histidine, which is basic and polar, at codon 52 of the WAS protein (p.Gln52His).

Literature cited by the submitters: PubMed 19817875; PubMed 11793485.